The following is an entry in ClinVar:

NM_024753.5(TTC21B):c.341C>T (p.Ala114Val)

Genes: TTC21B (tetratricopeptide repeat domain 21B; minus strand), TTC21B-AS1 (TTC21B antisense RNA 1; plus strand). Cytogenetic location: 2q24.3.
Variant type: single nucleotide variant.
Coding change: c.341C>T on transcript NM_024753.5 (MANE Select); coding-DNA position 341, C replaced by T.
Protein change: p.Ala114Val; replaces alanine 114 with valine.
Molecular consequence: missense variant.
Genome position (GRCh38, 1-based): chr2:165,945,612, G>A on the plus strand (C>T on the coding strand, the complement: TTC21B is on the minus strand). VCF-style: chr2-165945612-G-A. GRCh37 (hg19) VCF-style: chr2-166802122-G-A.
Other names: short protein forms A114V.
Identifiers: ClinVar variation 5002230 (VCV005002230.1).

ClinVar aggregate classification (germline): Uncertain significance (1 of 4 stars; one submission).

Conditions:
TTC21B-related disorder. Also called: TTC21B-related disorders; TTC21B-related condition.

Submission:

PreventionGenetics, part of Exact Sciences
Classification: Uncertain significance for TTC21B-related condition. Last evaluated: 2025-03-10. Review status: criteria provided, single submitter. Criteria: ACMG Guidelines, 2015. Collection method: clinical testing. Allele origin: germline.
Comment: The TTC21B c.341C>T variant is predicted to result in the amino acid substitution p.Ala114Val. To our knowledge, this variant has not been reported in the literature or in a large population database (gnomAD), indicating this variant is rare. At this time, the clinical significance of this variant is uncertain due to the absence of conclusive functional and genetic evidence.